The following is an entry in ClinVar:

ClinVar aggregate classification (germline): Conflicting classifications of pathogenicity. Review status: criteria provided, conflicting classifications (1 of 4 stars). 16 submissions from 16 submitters: Uncertain significance (2); Benign (5); Likely benign (6). 3 of the submissions do not count toward it. Last evaluated 2026-09-01.

Conditions:
PALB2-related disorder. Also called: PALB2-related disorders; PALB2-related condition.
Hereditary cancer-predisposing syndrome. Also called: Neoplastic Syndromes, Hereditary; Hereditary Cancer Syndrome; Tumor predisposition; Hereditary neoplastic syndrome. Identifiers: Orphanet 140162, MedGen C0027672, MeSH D009386, MONDO:0015356.
Familial cancer of breast. Also called: hereditary breast carcinoma; BREAST CANCER, FAMILIAL; Hereditary breast cancer. Identifiers: Orphanet 227535, MedGen C0346153, MONDO:0016419, OMIM 114480. Disease mechanism: loss of function.
Malignant tumor of breast. Also called: Malignant breast neoplasm; Cancer breast. Identifiers: MedGen C0006142, MONDO:0007254. Disease mechanism: loss of function.

Allele frequency attached by ClinVar (database versions not stated): gnomAD 0.00001 and 0.00010; TOPMed 0.00001; gnomAD exomes 0.00016 and 0.00043; ExAC 0.00053; 1000 Genomes Project 0.00120; 1000 Genomes Project 30x 0.00125.
gnomAD v4.1: 258 of 1,614,068 alleles (0.016%); highest among the groups gnomAD compares: South Asian, 0.26%; 3 homozygotes.

Submissions (16):

CeGaT Center for Human Genetics Tuebingen
Classification: Likely benign. Last evaluated: 2026-09-01. Review status: criteria provided, single submitter. Criteria: CeGaT Center For Human Genetics Tuebingen Variant Classification Criteria Version 2. Collection method: clinical testing. Allele origin: germline. Affected: yes. Observed: 1 variant allele.
Comment: PALB2: BP4, BS2

PreventionGenetics, part of Exact Sciences
Classification: Likely benign for PALB2-related condition. Last evaluated: 2026-05-22. Review status: criteria provided, single submitter. Criteria: ACMG Guidelines, 2015. Collection method: clinical testing. Allele origin: germline.
Comment: This variant is classified as likely benign based on ACMG/AMP sequence variant interpretation guidelines (Richards et al. 2015 PMID: 25741868, with internal and published modifications).

Labcorp Genetics (formerly Invitae), Labcorp
Classification: Benign for Familial cancer of breast. Last evaluated: 2026-01-06. Review status: criteria provided, single submitter. Criteria: Invitae Variant Classification Sherloc (09022015). Collection method: clinical testing. Allele origin: germline.

Center for Genomic Medicine, Rigshospitalet, Copenhagen University Hospital
Classification: Benign. Last evaluated: 2025-03-04. Review status: criteria provided, single submitter. Criteria: ACMG Guidelines, 2015. Collection method: clinical testing. Allele origin: germline.

Women's Health and Genetics/Laboratory Corporation of America, LabCorp
Classification: Likely benign. Last evaluated: 2023-04-07. Review status: criteria provided, single submitter. Criteria: LabCorp Variant Classification Summary - May 2015. Collection method: clinical testing. Allele origin: germline.

Myriad Genetics, Inc.
Classification: Benign for Familial cancer of breast. Last evaluated: 2023-03-31. Review status: criteria provided, single submitter. Criteria: Myriad Autosomal Dominant, Autosomal Recessive and X-Linked Classification Criteria (2023). Collection method: clinical testing. Allele origin: unknown.
Comment: This variant is considered benign. Homozygosity for this variant has been confirmed in one or more individuals lacking clinical features consistent with gene-specific recessive disease, indicating that this variant is unlikely to be pathogenic. This variant is strongly associated with less severe personal and family histories of cancer, typical for individuals without pathogenic variants in this gene [PMID: 25085752].

Sema4
Classification: Benign for Hereditary cancer-predisposing syndrome. Last evaluated: 2021-05-28. Review status: criteria provided, single submitter. Criteria: Sema4 Curation Guidelines. Collection method: curation. Allele origin: germline.

GeneDx
Classification: Likely benign. Last evaluated: 2020-11-10. Review status: criteria provided, single submitter. Criteria: GeneDx Variant Classification Process June 2021. Collection method: clinical testing. Allele origin: germline. Affected: yes.
Comment: This variant is associated with the following publications: (PMID: 23977390, 24728327, 21113654, 26283626, 30309218, 31636395)

Quest Diagnostics Nichols Institute San Juan Capistrano
Classification: Likely benign. Last evaluated: 2020-03-19. Review status: criteria provided, single submitter. Criteria: Quest Diagnostics criteria. Collection method: clinical testing. Allele origin: unknown.

Genetic Services Laboratory, University of Chicago
Classification: Uncertain significance. Last evaluated: 2019-10-14. Review status: criteria provided, single submitter. Criteria: ACMG Guidelines, 2015. Collection method: clinical testing. Allele origin: germline. Affected: no.

Ambry Genetics
Classification: Likely benign for Hereditary cancer-predisposing syndrome. Last evaluated: 2018-09-27. Review status: criteria provided, single submitter. Criteria: Ambry Variant Classification Scheme 2023. Collection method: clinical testing. Allele origin: germline.

Color Diagnostics, LLC DBA Color Health
Classification: Benign for Hereditary cancer-predisposing syndrome. Last evaluated: 2016-10-17. Review status: criteria provided, single submitter. Criteria: ACMG Guidelines, 2015. Collection method: clinical testing. Allele origin: germline.

Cancer Genetics Laboratory, Peter MacCallum Cancer Centre
Classification: Uncertain significance for Familial cancer of breast. Last evaluated: 2015-06-01. Review status: criteria provided, single submitter. Criteria: Thompson et al. (Breast Cancer Res. 2015). Collection method: case-control. Allele origin: germline. Affected: yes. Observed: 1 variant allele, 1 heterozygote.

Counsyl
Classification: Uncertain significance for Familial cancer of breast. Last evaluated: 2015-11-24. Review status: no assertion criteria provided. Collection method: clinical testing. Allele origin: unknown. Not counted in ClinVar's aggregate classification.

ITMI
No classification provided. Condition: AllHighlyPenetrant. Last evaluated: 2013-09-19. Review status: no classification provided. Collection method: reference population. Allele origin: germline. Not counted in ClinVar's aggregate classification.
Comment: Please see associated publication for description of ethnicities

Department of Pathology and Laboratory Medicine, Sinai Health System
Classification: Uncertain significance for Malignant tumor of breast. Review status: no assertion criteria provided. Collection method: clinical testing. Allele origin: unknown. Affected: yes. Observed: 1 variant allele. Study: The Canadian Open Genetics Repository (COGR). Not counted in ClinVar's aggregate classification.
Comment: The PALB2 p.Thr300Ile variant was identified in 3 of 2516 proband chromosomes (frequency: 0.001) from individuals or families with breast cancer (Ding 2011, Phuah 2013, Thompson 2015). The variant was also identified in the following databases: dbSNP (ID: rs528541334) as â€šÃ„ÃºWith Uncertain significance alleleâ€šÃ„Ã¹, in ClinVar (classified as benign by Invitae; classified as likely benign by GeneDx; classified as uncertain significance by Ambry Genetics, Counsyl, PALB2 database, CGLPMCCC), Clinvitae, and LOVD 3.0. The variant was not identified in Cosmic, MutDB, or the Zhejiang University Database. The variant was identified in control databases in 110 of 277114 chromosomes (1 homozygous) at a frequency of 0.0004 (Genome Aggregation Database Feb 27, 2017). It was observed in the following populations: African in 1 of 24030 chromosomes (freq: 0.00004), Other in 1 of 6462 chromosomes (freq: 0.0002), Latino in 1 of 34418 chromosomes (freq: 0.00003), East Asian in 1 of 18868 chromosomes (freq: 0.0001), and South Asian in 106 of 30778 chromosomes (freq: 0.003); it was not observed in the European, Ashkenazi Jewish, or Finnish populations. The p.Thr300 residue is not conserved in mammals and four out of five computational analyses (PolyPhen-2, SIFT, AlignGVGD, BLOSUM, MutationTaster) do not suggest a high likelihood of impact to the protein; however, this information is not predictive enough to rule out pathogenicity. The variant occurs outside of the splicing consensus sequence and in silico or computational prediction software programs (SpliceSiteFinder, MaxEntScan, NNSPLICE, GeneSplicer, HumanSpliceFinder) do not predict a difference in splicing. In summary, based on the above information, the clinical significance of this variant cannot be determined with certainty at this time. This variant is classified as a variant of uncertain significance.

Literature cited by the submitters: PubMed 25085752 (cited by Myriad Genetics, Inc.); PubMed 21113654 (cited by 3 submitters); PubMed 23977390 (cited by 3 submitters); PubMed 24728327 (cited by 3 submitters); PubMed 26283626 (cited by 3 submitters).

NM_024675.4(PALB2):c.899C>T (p.Thr300Ile)

Gene: PALB2 (partner and localizer of BRCA2; minus strand). Cytogenetic location: 16p12.2.
Variant type: single nucleotide variant.
Coding change: c.899C>T on transcript NM_024675.4 (MANE Select); coding-DNA position 899, C replaced by T.
Protein change: p.Thr300Ile; replaces threonine 300 with isoleucine.
Molecular consequence: missense variant.
Genome position (GRCh38, 1-based): chr16:23,635,647, G>A on the plus strand (C>T on the coding strand, the complement: PALB2 is on the minus strand). VCF-style: chr16-23635647-G-A. GRCh37 (hg19) VCF-style: chr16-23646968-G-A.
Other names: short protein forms T300I.
Identifiers: ClinVar variation 126777 (VCV000126777.41), dbSNP rs528541334, ClinGen allele CA161336.